The following is an entry in ClinVar:

NC_000022.11:g.40346324G>A

Gene: ADSL (adenylosuccinate lyase; plus strand). Cytogenetic location: 22q13.1.
Variant type: single nucleotide variant.
Genome position: GRCh38 VCF-style: chr22-40346324-G-A. GRCh37 (hg19) VCF-style: chr22-40742328-G-A.
Identifiers: ClinVar variation 1397093 (VCV001397093.3), dbSNP rs1000950960, ClinGen allele CA324446791.

ClinVar aggregate classification (germline): Uncertain significance (1 of 4 stars; one submission).

Conditions:
Adenylosuccinate lyase deficiency (ADSLD). Also called: ADSL DEFICIENCY. Identifiers: Orphanet 46, MedGen C0268126, MONDO:0007068, OMIM 103050.

Submission:

Labcorp Genetics (formerly Invitae), Labcorp
Classification: Uncertain significance for Adenylosuccinate lyase deficiency. Last evaluated: 2022-08-17. Review status: criteria provided, single submitter. Criteria: Invitae Variant Classification Sherloc (09022015). Collection method: clinical testing. Allele origin: germline.
Comment: This variant occurs in a non-coding region of the ADSL gene. It does not change the encoded amino acid sequence of the ADSL protein. This variant is present in population databases (no rsID available, gnomAD 0.01%). This variant has not been reported in the literature in individuals affected with ADSL-related conditions. Experimental studies and prediction algorithms are not available or were not evaluated, and the functional significance of this variant is currently unknown. In summary, the available evidence is currently insufficient to determine the role of this variant in disease. Therefore, it has been classified as a Variant of Uncertain Significance.